The following is an entry in ClinVar:

NM_001164508.2(NEB):c.22754del (p.Asn7585fs)

Genes: NEB (nebulin; minus strand), RIF1 (replication timing regulatory factor 1; plus strand). Cytogenetic location: 2q23.3.
Variant type: Deletion.
Coding change: c.22754del on transcript NM_001164508.2 (MANE Select); coding-DNA position 22754, one base deleted (A; older notation c.22754delA).
Protein change: p.Asn7585fs; shifts the reading frame from asparagine 7585.
Molecular consequence: frameshift variant.
Genome position (GRCh38, 1-based): chr2:151,518,364, T deleted on the plus strand (A on the coding strand, the reverse complement: NEB is on the minus strand); the first of 2 consecutive T bases (chr2:151,518,364-151,518,365); deleting either gives the same sequence. VCF-style (leftmost placement, unchanged base first): chr2-151518363-AT-A. GRCh37 (hg19) VCF-style: chr2-152374877-AT-A.
Other names: c.22754del, p.Asn7585fs (NM_001164507.2); c.22859del, p.Asn7620fs (NM_001271208.2); c.17651del, p.Asn5884fs (NM_004543.5); short protein forms N5884fs, N7585fs, N7620fs.
Identifiers: ClinVar variation 5013504 (VCV005013504.1).

ClinVar aggregate classification (germline): Pathogenic (1 of 4 stars; one submission).

Conditions:
Nemaline myopathy 2 (NEM2). Also called: Nemaline myopathy 2, autosomal recessive. Identifiers: MedGen C1850569, MONDO:0009725, OMIM 256030.

Submission:

Myriad Genetics, Inc.
Classification: Pathogenic for Nemaline myopathy 2. Last evaluated: 2024-08-30. Review status: criteria provided, single submitter. Criteria: Myriad Autosomal Dominant, Autosomal Recessive and X-Linked Classification Criteria (2023). Collection method: clinical testing. Allele origin: unknown.
Comment: NM_001271208.1(NEB):c.22859delA(N7620Ifs*7) is expected to be pathogenic in the context of NEB-related nemaline myopathy. This variant is predicted to lead to an abnormal or absent protein product due to the creation of a premature termination codon in NEB, a gene where loss-of-function variants are known to be pathogenic. Please note: this variant was assessed in the context of healthy population screening.